The following is an entry in ClinVar:

ClinVar aggregate classification (germline): Pathogenic. Review status: criteria provided, multiple submitters, no conflicts (2 of 4 stars). 4 submissions from 4 submitters: Pathogenic (4). Last evaluated 2025-10-25.

Conditions:
Hereditary nonpolyposis colorectal neoplasms. Identifiers: MedGen C0009405, MeSH D003123.
Hereditary cancer-predisposing syndrome. Also called: Neoplastic Syndromes, Hereditary; Tumor predisposition; Hereditary Cancer Syndrome; Hereditary neoplastic syndrome. Identifiers: Orphanet 140162, MedGen C0027672, MeSH D009386, MONDO:0015356.
Lynch syndrome 5 (LYNCH5). Also called: Colorectal cancer, hereditary nonpolyposis, type 5; Hereditary non-polyposis colorectal cancer, type 5. Identifiers: Orphanet 144, MedGen C1833477, MONDO:0013710, OMIM 614350. Disease mechanism: loss of function.

Submissions (4):

Labcorp Genetics (formerly Invitae), Labcorp
Classification: Pathogenic for Hereditary nonpolyposis colorectal neoplasms. Last evaluated: 2025-10-25. Review status: criteria provided, single submitter. Criteria: Invitae Variant Classification Sherloc (09022015). Collection method: clinical testing. Allele origin: germline.
Comment: This sequence change creates a premature translational stop signal (p.Gly1218Glufs*11) in the MSH6 gene. It is expected to result in an absent or disrupted protein product. Loss-of-function variants in MSH6 are known to be pathogenic (PMID: 18269114, 24362816). This variant is not present in population databases (gnomAD no frequency). This variant has not been reported in the literature in individuals affected with MSH6-related conditions. ClinVar contains an entry for this variant (Variation ID: 923759). For these reasons, this variant has been classified as Pathogenic.

Myriad Genetics, Inc.
Classification: Pathogenic for Lynch syndrome 5. Last evaluated: 2023-08-24. Review status: criteria provided, single submitter. Criteria: Myriad Autosomal Dominant, Autosomal Recessive and X-Linked Classification Criteria (2023). Collection method: clinical testing. Allele origin: unknown.
Comment: This variant is considered pathogenic. This variant creates a frameshift predicted to result in premature protein truncation.

Ambry Genetics
Classification: Pathogenic for Hereditary cancer-predisposing syndrome. Last evaluated: 2021-07-03. Review status: criteria provided, single submitter. Criteria: Ambry Variant Classification Scheme 2023. Collection method: clinical testing. Allele origin: germline.
Comment: The c.3651_3652dupAG pathogenic mutation, located in coding exon 8 of the MSH6 gene, results from a duplication of AG at nucleotide position 3651, causing a translational frameshift with a predicted alternate stop codon (p.G1218Efs*11). This variant is considered to be rare based on population cohorts in the Genome Aggregation Database (gnomAD). This alteration is expected to result in loss of function by premature protein truncation or nonsense-mediated mRNA decay. As such, this alteration is interpreted as a disease-causing mutation.

Color Diagnostics, LLC DBA Color Health
Classification: Pathogenic for Hereditary cancer-predisposing syndrome. Last evaluated: 2020-01-21. Review status: criteria provided, single submitter. Criteria: ACMG Guidelines, 2015. Collection method: clinical testing. Allele origin: germline.
Comment: This variant duplicates two nucleotides in exon 8 of the MSH6 gene, creating a frameshift and premature translation stop signal. This variant is expected to result in an absent or non-functional protein product. To our knowledge, functional studies have not been performed for this variant. This variant has not been reported in individuals affected with hereditary cancer in the literature. This variant has not been identified in the general population by the Genome Aggregation Database (gnomAD). Loss of MSH6 function is a known mechanism of disease. Based on the available evidence, this variant is classified as Pathogenic.

Literature cited by the submitters: PubMed 18269114 (cited by Labcorp Genetics (formerly Invitae), Labcorp); PubMed 24362816 (cited by Labcorp Genetics (formerly Invitae), Labcorp).

NM_000179.3(MSH6):c.3651_3652dup (p.Gly1218fs)

Gene: MSH6 (mutS homolog 6; plus strand). Cytogenetic location: 2p16.3.
Variant type: Microsatellite.
Coding change: c.3651_3652dup on transcript NM_000179.3 (MANE Select); coding-DNA positions 3651 to 3652, 2 bases duplicated (AG; older notation c.3651_3652dupAG).
Protein change: p.Gly1218fs; shifts the reading frame from glycine 1218.
Molecular consequence: frameshift variant.
Genome position (GRCh38, 1-based): chr2:47,806,208-47,806,209, AG duplicated; duplicating any 2 consecutive bases within chr2:47,806,206-47,806,209 gives the same sequence; the c. name uses the placement nearest the transcript's 3' end. VCF-style (leftmost placement, unchanged base first): chr2-47806205-A-AAG. GRCh37 (hg19) VCF-style: chr2-48033344-A-AAG.
Other names: c.3261_3262dup, p.Gly1088fs (NM_001281492.2); c.2745_2746dup, p.Gly916fs (NM_001281493.2, NM_001281494.2); c.3651_3652dupAG (NM_000179.2); short protein forms G1218fs, G916fs, G1088fs.
Identifiers: ClinVar variation 923759 (VCV000923759.11), dbSNP rs1670039388, ClinGen allele CA1139656971.